The following is an entry in ClinVar:

ClinVar aggregate classification (germline): Pathogenic. Review status: criteria provided, multiple submitters, no conflicts (2 of 4 stars). 2 submissions from 2 submitters: Pathogenic (2). Last evaluated 2025-01-02.

Conditions:
Loeys-Dietz syndrome 4 (LDS4). Also called: ANEURYSM, AORTIC AND CEREBRAL, WITH ARTERIAL TORTUOSITY AND SKELETAL MANIFESTATIONS; TGFB2-Related Loeys-Dietz Syndrome. Identifiers: MedGen C3553762, MONDO:0013897, OMIM 614816.
Familial thoracic aortic aneurysm and aortic dissection (TAAD). Also called: Thoracic aortic aneurysms and dissections. Identifiers: Orphanet 91387, MedGen C4707243, MONDO:0019625.

Submissions (2):

Labcorp Genetics (formerly Invitae), Labcorp
Classification: Pathogenic for Loeys-Dietz syndrome 4. Last evaluated: 2025-01-02. Review status: criteria provided, single submitter. Criteria: Invitae Variant Classification Sherloc (09022015). Collection method: clinical testing. Allele origin: germline.
Comment: This sequence change creates a premature translational stop signal (p.Glu66Glyfs*68) in the TGFB2 gene. It is expected to result in an absent or disrupted protein product. Loss-of-function variants in TGFB2 are known to be pathogenic (PMID: 22772368, 22772371, 30739908). This variant is not present in population databases (gnomAD no frequency). This variant has not been reported in the literature in individuals affected with TGFB2-related conditions. ClinVar contains an entry for this variant (Variation ID: 1075270). For these reasons, this variant has been classified as Pathogenic.

Ambry Genetics
Classification: Pathogenic for Familial thoracic aortic aneurysm and aortic dissection. Last evaluated: 2018-08-02. Review status: criteria provided, single submitter. Criteria: Ambry Variant Classification Scheme 2023. Collection method: clinical testing. Allele origin: germline.
Comment: The c.194dupC pathogenic mutation, located in coding exon 1 of the TGFB2 gene, results from a duplication of C at nucleotide position 194, causing a translational frameshift with a predicted alternate stop codon (p.E66Gfs*68). This alteration is expected to result in loss of function by premature protein truncation or nonsense-mediated mRNA decay. As such, this alteration is interpreted as a disease-causing mutation.

Literature cited by the submitters: PubMed 22772368 (cited by Labcorp Genetics (formerly Invitae), Labcorp); PubMed 22772371 (cited by Labcorp Genetics (formerly Invitae), Labcorp); PubMed 30739908 (cited by Labcorp Genetics (formerly Invitae), Labcorp).

NM_003238.6(TGFB2):c.194dup (p.Glu66fs)

Gene: TGFB2 (transforming growth factor beta 2; plus strand). Cytogenetic location: 1q41.
Variant type: Duplication.
Coding change: c.194dup on transcript NM_003238.6 (MANE Select); coding-DNA position 194, one base duplicated (C; older notation c.194dupC).
Protein change: p.Glu66fs; shifts the reading frame from glutamic acid 66.
Molecular consequence: frameshift variant. On other transcripts: non-coding transcript variant (2).
Genome position (GRCh38, 1-based): chr1:218,346,895, C duplicated; the last of 6 consecutive C bases (chr1:218,346,890-218,346,895); duplicating any one gives the same sequence. VCF-style (leftmost placement, unchanged base first): chr1-218346889-T-TC. GRCh37 (hg19) VCF-style: chr1-218520231-T-TC.
Other names: c.194dup, p.Glu66fs (NM_001135599.4); short protein forms E66fs.
Identifiers: ClinVar variation 1075270 (VCV001075270.11), dbSNP rs2102527595, ClinGen allele CA2499214539.